The following is an entry in ClinVar:

ClinVar aggregate classification (germline): Uncertain significance (1 of 4 stars; one submission).

gnomAD v4.1: 2 of 1,612,938 alleles (0.00012%); highest among the groups gnomAD compares: Non-Finnish European, 0.000085%; no homozygotes.

Submission:

Labcorp Genetics (formerly Invitae), Labcorp
Classification: Uncertain significance. Last evaluated: 2024-03-13. Review status: criteria provided, single submitter. Criteria: Invitae Variant Classification Sherloc (09022015). Collection method: clinical testing. Allele origin: germline.
Comment: This sequence change replaces serine, which is neutral and polar, with phenylalanine, which is neutral and non-polar, at codon 152 of the GUF1 protein (p.Ser152Phe). This variant is present in population databases (rs763412255, gnomAD 0.02%). This variant has not been reported in the literature in individuals affected with GUF1-related conditions. Advanced modeling of protein sequence and biophysical properties (such as structural, functional, and spatial information, amino acid conservation, physicochemical variation, residue mobility, and thermodynamic stability) performed at Invitae indicates that this missense variant is not expected to disrupt GUF1 protein function with a negative predictive value of 80%. In summary, the available evidence is currently insufficient to determine the role of this variant in disease. Therefore, it has been classified as a Variant of Uncertain Significance.

NM_021927.3(GUF1):c.455C>T (p.Ser152Phe)

Gene: GUF1 (GTP binding elongation factor GUF1; plus strand). Cytogenetic location: 4p12.
Variant type: single nucleotide variant.
Coding change: c.455C>T on transcript NM_021927.3 (MANE Select); coding-DNA position 455, C replaced by T.
Protein change: p.Ser152Phe; replaces serine 152 with phenylalanine.
Molecular consequence: missense variant. On other transcripts: 5 prime UTR variant (2).
Genome position (GRCh38, 1-based): chr4:44,681,151, C>T. VCF-style: chr4-44681151-C-T. GRCh37 (hg19) VCF-style: chr4-44683168-C-T.
Other names: c.-514C>T (NM_001345867.2); c.455C>T, p.Ser152Phe (NM_001345868.2); c.-518C>T (NM_001345869.2); short protein forms S152F.
Identifiers: ClinVar variation 3683991 (VCV003683991.2).